The following is an entry in ClinVar:

ClinVar aggregate classification (germline): Likely pathogenic (1 of 4 stars; one submission).

Conditions:
Mandibulofacial dysostosis-microcephaly syndrome (MFDGA). Also called: Growth and mental retardation, mandibulofacial dysostosis, microcephaly, and cleft palate; Mandibulofacial dysostosis, Guion-Almeida type. Identifiers: Orphanet 79113, MedGen C1864652, MONDO:0012516, OMIM 610536.

Submission:

Clinical Genomics Laboratory, Washington University in St. Louis
Classification: Likely pathogenic for Mandibulofacial dysostosis-microcephaly syndrome. Last evaluated: 2026-01-12. Review status: criteria provided, single submitter. Criteria: ACMG Guidelines, 2015. Collection method: clinical testing. Allele origin: germline. Affected: yes.
Comment: The EFTUD2 c.1723C>T (p.Gln575*) variant, to our knowledge, has not been reported in the medical literature and is absent from the general population (gnomAD v4.1.0), indicating it is not a common variant. This variant causes a premature termination codon, which is predicted to lead to nonsense mediated decay. Additionally, another variant that introduces a premature termination codon in this exon has been described in another affected individual and is considered pathogenic (Gordon CT et al., PMID: 23188108). Based on available information and the ACMG/AMP guidelines for variant interpretation (Richards S et al., PMID: 25741868), this variant is classified as likely pathogenic.

NM_004247.4(EFTUD2):c.1723C>T (p.Gln575Ter)

Gene: EFTUD2 (elongation factor Tu GTP binding domain containing 2; minus strand). Cytogenetic location: 17q21.31.
Variant type: single nucleotide variant.
Coding change: c.1723C>T on transcript NM_004247.4 (MANE Select); coding-DNA position 1723, C replaced by T.
Protein change: p.Gln575Ter; replaces glutamine 575 with a stop codon.
Molecular consequence: nonsense.
Genome position (GRCh38, 1-based): chr17:44,860,042, G>A on the plus strand (C>T on the coding strand, the complement: EFTUD2 is on the minus strand). VCF-style: chr17-44860042-G-A. GRCh37 (hg19) VCF-style: chr17-42937410-G-A.
Other names: c.1618C>T, p.Gln540Ter (NM_001142605.2); c.1723C>T, p.Gln575Ter (NM_001258353.2); c.1693C>T, p.Gln565Ter (NM_001258354.2); short protein forms Q540*, Q565*, Q575*.
Identifiers: ClinVar variation 4879478 (VCV004879478.1).